The following is an entry in ClinVar:

NM_004621.6(TRPC6):c.155G>A (p.Gly52Asp)

Gene: TRPC6 (transient receptor potential cation channel subfamily C member 6; minus strand). Cytogenetic location: 11q22.1.
Variant type: single nucleotide variant.
Coding change: c.155G>A on transcript NM_004621.6 (MANE Select); coding-DNA position 155, G replaced by A.
Protein change: p.Gly52Asp; replaces glycine 52 with aspartic acid.
Molecular consequence: missense variant.
Genome position (GRCh38, 1-based): chr11:101,583,349, C>T on the plus strand (G>A on the coding strand, the complement: TRPC6 is on the minus strand). VCF-style: chr11-101583349-C-T. GRCh37 (hg19) VCF-style: chr11-101454080-C-T.
Other names: c.155G>A (NM_004621.5); short protein forms G52D.
Identifiers: ClinVar variation 2080621 (VCV002080621.8), dbSNP rs779060558, ClinGen allele CA6244610.

ClinVar aggregate classification (germline): Conflicting classifications of pathogenicity. Review status: criteria provided, conflicting classifications (1 of 4 stars). 4 submissions from 4 submitters: Uncertain significance (3); Likely benign (1). Last evaluated 2024-09-24.

Conditions:
Inborn genetic diseases. Identifiers: MedGen C0950123, MeSH D030342.
Focal segmental glomerulosclerosis 2 (FSGS2). Identifiers: Orphanet 656, MedGen C1858915, MONDO:0011390, OMIM 603965.

Allele frequency attached by ClinVar (database versions not stated): gnomAD 0.00002; TOPMed 0.00004; ExAC 0.00022.
gnomAD v4.1: 107 of 1,592,538 alleles (0.0067%); highest among the groups gnomAD compares: Middle Eastern, 0.12%; 1 homozygote.

Submissions (4):

Blueprint Genetics
Classification: Likely benign. Last evaluated: 2024-09-24. Review status: criteria provided, single submitter. Criteria: ACMG Guidelines, 2015. Collection method: clinical testing. Allele origin: germline.

Labcorp Genetics (formerly Invitae), Labcorp
Classification: Uncertain significance. Last evaluated: 2024-04-27. Review status: criteria provided, single submitter. Criteria: Invitae Variant Classification Sherloc (09022015). Collection method: clinical testing. Allele origin: germline.
Comment: This sequence change replaces glycine, which is neutral and non-polar, with aspartic acid, which is acidic and polar, at codon 52 of the TRPC6 protein (p.Gly52Asp). This variant is present in population databases (rs779060558, gnomAD 0.04%), and has an allele count higher than expected for a pathogenic variant. This variant has not been reported in the literature in individuals affected with TRPC6-related conditions. ClinVar contains an entry for this variant (Variation ID: 2080621). An algorithm developed to predict the effect of missense changes on protein structure and function (PolyPhen-2) suggests that this variant is likely to be tolerated. In summary, the available evidence is currently insufficient to determine the role of this variant in disease. Therefore, it has been classified as a Variant of Uncertain Significance.

Fulgent Genetics
Classification: Uncertain significance for Focal segmental glomerulosclerosis 2. Last evaluated: 2023-12-29. Review status: criteria provided, single submitter. Criteria: ACMG Guidelines, 2015. Collection method: clinical testing. Allele origin: germline.

Ambry Genetics
Classification: Uncertain significance for Inborn genetic diseases. Last evaluated: 2023-08-08. Review status: criteria provided, single submitter. Criteria: Ambry Variant Classification Scheme 2023. Collection method: clinical testing. Allele origin: germline.